The following is an entry in ClinVar:

ClinVar aggregate classification (germline): Uncertain significance (1 of 4 stars; one submission).

Conditions:
Cardiovascular phenotype. Identifiers: MedGen CN230736.

gnomAD v4.1: 3 of 1,614,016 alleles (0.00019%); highest among the groups gnomAD compares: African/African-American, 0.0027%; no homozygotes.

Submission:

Ambry Genetics
Classification: Uncertain significance for Cardiovascular phenotype. Last evaluated: 2025-07-13. Review status: criteria provided, single submitter. Criteria: Ambry Variant Classification Scheme 2023. Collection method: clinical testing. Allele origin: germline.
Comment: The p.Y770F variant (also known as c.2309A>T), located in coding exon 15 of the ABCA1 gene, results from an A to T substitution at nucleotide position 2309. The tyrosine at codon 770 is replaced by phenylalanine, an amino acid with highly similar properties. This amino acid position is conserved. In addition, the in silico prediction for this alteration is inconclusive. Based on the available evidence, the clinical significance of this variant remains unclear.

NM_005502.4(ABCA1):c.2309A>T (p.Tyr770Phe)

Gene: ABCA1 (ATP binding cassette subfamily A member 1; minus strand). Cytogenetic location: 9q31.1.
Variant type: single nucleotide variant.
Coding change: c.2309A>T on transcript NM_005502.4 (MANE Select); coding-DNA position 2309, A replaced by T.
Protein change: p.Tyr770Phe; replaces tyrosine 770 with phenylalanine.
Molecular consequence: missense variant.
Genome position (GRCh38, 1-based): chr9:104,826,976, T>A on the plus strand (A>T on the coding strand, the complement: ABCA1 is on the minus strand). VCF-style: chr9-104826976-T-A. GRCh37 (hg19) VCF-style: chr9-107589257-T-A.
Other names: short protein forms Y770F.
Identifiers: ClinVar variation 3938069 (VCV003938069.2).
Genomic context (GRCh38, chr9:104,826,976, plus strand): 5'-ACAGCCACTGAAGAAAGGCCAGAGGTACTCACAGCGAAGATCTTGAGTGTGAAGCCCACG[T>A]AGTCCTGCCATGCCACACACAGGACGTAGGGCAGGTACAGCGTGAAGTAGATGATGCCCC-3'
Protein context (NP_005493.2, residues 760-780): PYVLCVAWQD[Tyr770Phe]VGFTLKIFAS